The following is an entry in ClinVar:

ClinVar aggregate classification (germline): Likely benign (0 of 4 stars; one submission).

Conditions:
SEMA3F-related disorder. Also called: SEMA3F-related condition.

Allele frequency attached by ClinVar (database versions not stated): gnomAD 0.00004; gnomAD exomes 0.00004; TOPMed 0.00007; ExAC 0.00017.
gnomAD v4.1: 64 of 1,613,936 alleles (0.004%); highest among the groups gnomAD compares: Admixed American, 0.063%; no homozygotes.

Submission:

PreventionGenetics, part of Exact Sciences
Classification: Likely benign for SEMA3F-related condition. Last evaluated: 2022-01-19. Review status: no assertion criteria provided. Collection method: clinical testing. Allele origin: germline.
Comment: This variant is classified as likely benign based on ACMG/AMP sequence variant interpretation guidelines (Richards et al. 2015 PMID: 25741868, with internal and published modifications).

NM_004186.5(SEMA3F):c.132C>T (p.Thr44=)

Gene: SEMA3F (semaphorin 3F; plus strand). Cytogenetic location: 3p21.31.
Variant type: single nucleotide variant.
Coding change: c.132C>T on transcript NM_004186.5 (MANE Select); coding-DNA position 132, C replaced by T.
Protein change: p.Thr44=; no amino-acid change (threonine 44 retained).
Molecular consequence: synonymous variant. On other transcripts: 5 prime UTR variant (1).
Genome position (GRCh38, 1-based): chr3:50,173,812, C>T. VCF-style: chr3-50173812-C-T. GRCh37 (hg19) VCF-style: chr3-50211245-C-T.
Other names: c.-73C>T (NM_001318798.2); c.132C>T, p.Thr44= (NM_001318800.2).
Identifiers: ClinVar variation 3055104 (VCV003055104.2), dbSNP rs756077250, ClinGen allele CA2411646.